The following is an entry in ClinVar:

NM_001042492.3(NF1):c.4835+4A>C

Gene: NF1 (neurofibromin 1; plus strand). Cytogenetic location: 17q11.2.
Variant type: single nucleotide variant.
Coding change: c.4835+4A>C on transcript NM_001042492.3 (MANE Select); 4 bases into the intron after coding-DNA position 4835, A replaced by C.
Molecular consequence: intron variant.
Genome position (GRCh38, 1-based): chr17:31,265,343, A>C. VCF-style: chr17-31265343-A-C. GRCh37 (hg19) VCF-style: chr17-29592361-A-C.
Other names: c.4772+4A>C (NM_000267.4).
Identifiers: ClinVar variation 1742979 (VCV001742979.5), dbSNP rs2508445965, ClinGen allele CA2580093366.
Genomic context (GRCh38, chr17:31,265,343, plus strand): 5'-CTACCAAGCTGGGACTTCCAAAGCTGGGAATCCTATTTTTTATTATGTTGCACGGAGGTA[A>C]GAAATACTATGTTTTGGGTCTCTTAACAGAATTTTTTAAATTATAGCAAATATAGAGAGA-3'

ClinVar aggregate classification (germline): Conflicting classifications of pathogenicity. Review status: criteria provided, conflicting classifications (1 of 4 stars). 2 submissions from 2 submitters: Uncertain significance (1); Likely benign (1). Last evaluated 2025-10-03.

Conditions:
Neurofibromatosis, type 1 (NF1). Also called: VON RECKLINGHAUSEN DISEASE; NEUROFIBROMATOSIS, TYPE I, SOMATIC; Neurofibromatosis, type I; Peripheral type neurofibromatosis. Identifiers: Orphanet 636, MedGen C0027831, MONDO:0018975, OMIM 162200. Disease mechanism: loss of function.
Cardiovascular phenotype. Identifiers: MedGen CN230736.
Hereditary cancer-predisposing syndrome. Also called: Neoplastic Syndromes, Hereditary; Tumor predisposition; Hereditary Cancer Syndrome; Hereditary neoplastic syndrome. Identifiers: Orphanet 140162, MedGen C0027672, MeSH D009386, MONDO:0015356.

Submissions (2):

Labcorp Genetics (formerly Invitae), Labcorp
Classification: Uncertain significance for Neurofibromatosis, type 1. Last evaluated: 2025-10-03. Review status: criteria provided, single submitter. Criteria: Invitae Variant Classification Sherloc (09022015). Collection method: clinical testing. Allele origin: germline.
Comment: This sequence change falls in intron 35 of the NF1 gene. It does not directly change the encoded amino acid sequence of the NF1 protein. It affects a nucleotide within the consensus splice site. This variant is not present in population databases (gnomAD no frequency). This variant has not been reported in the literature in individuals affected with NF1-related conditions. ClinVar contains an entry for this variant (Variation ID: 1742979). Variants that disrupt the consensus splice site are a relatively common cause of aberrant splicing (PMID: 17576681, 9536098). Algorithms developed to predict the effect of sequence changes on RNA splicing suggest that this variant is not likely to affect RNA splicing. In summary, the available evidence is currently insufficient to determine the role of this variant in disease. Therefore, it has been classified as a Variant of Uncertain Significance.

Ambry Genetics
Classification: Likely benign for Cardiovascular phenotype; Hereditary cancer-predisposing syndrome. Last evaluated: 2022-08-04. Review status: criteria provided, single submitter. Criteria: Ambry Variant Classification Scheme 2023. Collection method: clinical testing. Allele origin: germline.

Literature cited by the submitters: PubMed 17576681 (cited by Labcorp Genetics (formerly Invitae), Labcorp); PubMed 9536098 (cited by Labcorp Genetics (formerly Invitae), Labcorp).